The following is an entry in ClinVar:

NM_178554.6(KY):c.123G>A (p.Leu41=)

Genes: CEP63 (centrosomal protein 63; plus strand), KY (kyphoscoliosis peptidase; minus strand). Cytogenetic location: 3q22.2.
Variant type: single nucleotide variant.
Coding change: c.123G>A on transcript NM_178554.6 (MANE Select); coding-DNA position 123, G replaced by A.
Protein change: p.Leu41=; no amino-acid change (leucine 41 retained).
Molecular consequence: synonymous variant.
Genome position (GRCh38, 1-based): chr3:134,650,838, C>T on the plus strand (G>A on the coding strand, the complement: KY is on the minus strand). VCF-style: chr3-134650838-C-T. GRCh37 (hg19) VCF-style: chr3-134369680-C-T.
Other names: c.123G>A, p.Leu41= (NM_001350859.2, NM_001350860.2, NM_001366276.1 and 1 more transcripts); c.123G>A (NM_178554.4).
Identifiers: ClinVar variation 2654166 (VCV002654166.26), dbSNP rs745313504, ClinGen allele CA2629418.

ClinVar aggregate classification (germline): Likely benign. Review status: criteria provided, multiple submitters, no conflicts (2 of 4 stars). 3 submissions from 3 submitters: Likely benign (3). Last evaluated 2026-04-09.

Conditions:
KY-related disorder. Also called: KY-related condition.

Allele frequency attached by ClinVar (database versions not stated): gnomAD 0.00001; TOPMed 0.00001; ExAC 0.00012.
gnomAD v4.1: 62 of 1,603,342 alleles (0.0039%); highest among the groups gnomAD compares: South Asian, 0.051%; 2 homozygotes.

Submissions (3):

PreventionGenetics, part of Exact Sciences
Classification: Likely benign for KY-related condition. Last evaluated: 2026-04-09. Review status: criteria provided, single submitter. Criteria: ACMG Guidelines, 2015. Collection method: clinical testing. Allele origin: germline.
Comment: This variant is classified as likely benign based on ACMG/AMP sequence variant interpretation guidelines (Richards et al. 2015 PMID: 25741868, with internal and published modifications).

Women's Health and Genetics/Laboratory Corporation of America, LabCorp
Classification: Likely benign. Last evaluated: 2025-12-02. Review status: criteria provided, single submitter. Criteria: LabCorp Variant Classification Summary - May 2015. Collection method: clinical testing. Allele origin: germline.

CeGaT Center for Human Genetics Tuebingen
Classification: Likely benign. Last evaluated: 2022-10-01. Review status: criteria provided, single submitter. Criteria: CeGaT Center For Human Genetics Tuebingen Variant Classification Criteria Version 2. Collection method: clinical testing. Allele origin: germline. Affected: yes. Observed: 1 variant allele.
Comment: KY: BP4, BP7